The following is an entry in ClinVar:

ClinVar aggregate classification (germline): Uncertain significance (1 of 4 stars; one submission).

Submission:

GeneDx
Classification: Uncertain significance. Last evaluated: 2025-08-25. Review status: criteria provided, single submitter. Criteria: GeneDx Variant Classification Process June 2021. Collection method: clinical testing. Allele origin: germline.
Comment: Has not been previously published as pathogenic or benign to our knowledge; Not observed at significant frequency in large population cohorts (gnomAD); In silico analysis supports that this missense variant has a deleterious effect on protein structure/function

NM_006421.5(ARFGEF1):c.1810C>A (p.Gln604Lys)

Gene: ARFGEF1 (ARF guanine nucleotide exchange factor 1; minus strand). Cytogenetic location: 8q13.2.
Variant type: single nucleotide variant.
Coding change: c.1810C>A on transcript NM_006421.5 (MANE Select); coding-DNA position 1810, C replaced by A.
Protein change: p.Gln604Lys; replaces glutamine 604 with lysine.
Molecular consequence: missense variant. On other transcripts: non-coding transcript variant (1).
Genome position (GRCh38, 1-based): chr8:67,267,093, G>T on the plus strand (C>A on the coding strand, the complement: ARFGEF1 is on the minus strand). VCF-style: chr8-67267093-G-T. GRCh37 (hg19) VCF-style: chr8-68179328-G-T.
Other names: c.1810C>A, p.Gln604Lys (NM_001413184.1, NM_001413185.1, NM_001413186.1 and 7 more transcripts); c.1210C>A, p.Gln404Lys (NM_001413188.1, NM_001413193.1, NM_001413197.1); c.385C>A, p.Gln129Lys (NM_001413196.1); short protein forms Q404K, Q604K, Q129K.
Identifiers: ClinVar variation 4056019 (VCV004056019.2).